The following is an entry in ClinVar:

NM_000548.5(TSC2):c.3751A>G (p.Lys1251Glu)

Gene: TSC2 (TSC complex subunit 2; plus strand). Cytogenetic location: 16p13.3.
Variant type: single nucleotide variant.
Coding change: c.3751A>G on transcript NM_000548.5 (MANE Select); coding-DNA position 3751, A replaced by G.
Protein change: p.Lys1251Glu; replaces lysine 1251 with glutamic acid.
Molecular consequence: missense variant.
Genome position (GRCh38, 1-based): chr16:2,081,735, A>G. VCF-style: chr16-2081735-A-G. GRCh37 (hg19) VCF-style: chr16-2131736-A-G.
Other names: c.3619A>G, p.Lys1207Glu (NM_001077183.3, NM_001370404.1); c.3751A>G, p.Lys1251Glu (NM_001114382.3); c.3511A>G, p.Lys1171Glu (NM_001318827.2); c.3475A>G, p.Lys1159Glu (NM_001318829.2); c.3019A>G, p.Lys1007Glu (NM_001318831.2); c.3652A>G, p.Lys1218Glu (NM_001318832.2); c.3622A>G, p.Lys1208Glu (NM_001363528.2, NM_001370405.1, NM_021055.3); short protein forms K1007E, K1159E, K1171E, K1207E, K1208E, K1218E, K1251E.
Identifiers: ClinVar variation 1008518 (VCV001008518.8), dbSNP rs2090165820, ClinGen allele CA394293119.

ClinVar aggregate classification (germline): Uncertain significance (1 of 4 stars; one submission).

Conditions:
Tuberous sclerosis 2 (TSC2). Identifiers: Orphanet 805, MedGen C1860707, MONDO:0013199, OMIM 613254.

Submission:

Labcorp Genetics (formerly Invitae), Labcorp
Classification: Uncertain significance for Tuberous sclerosis 2. Last evaluated: 2023-07-07. Review status: criteria provided, single submitter. Criteria: Invitae Variant Classification Sherloc (09022015). Collection method: clinical testing. Allele origin: germline.
Comment: In summary, the available evidence is currently insufficient to determine the role of this variant in disease. Therefore, it has been classified as a Variant of Uncertain Significance. Advanced modeling of protein sequence and biophysical properties (such as structural, functional, and spatial information, amino acid conservation, physicochemical variation, residue mobility, and thermodynamic stability) performed at Invitae indicates that this missense variant is not expected to disrupt TSC2 protein function. ClinVar contains an entry for this variant (Variation ID: 1008518). This variant has not been reported in the literature in individuals affected with TSC2-related conditions. This variant is not present in population databases (gnomAD no frequency). This sequence change replaces lysine, which is basic and polar, with glutamic acid, which is acidic and polar, at codon 1251 of the TSC2 protein (p.Lys1251Glu).